The following is an entry in ClinVar:

ClinVar aggregate classification (germline): Uncertain significance (1 of 4 stars; one submission).

Submission:

Labcorp Genetics (formerly Invitae), Labcorp
Classification: Uncertain significance. Last evaluated: 2025-12-02. Review status: criteria provided, single submitter. Criteria: Invitae Variant Classification Sherloc (09022015). Collection method: clinical testing. Allele origin: germline.
Comment: This sequence change replaces serine, which is neutral and polar, with phenylalanine, which is neutral and non-polar, at codon 232 of the KLF10 protein (p.Ser232Phe). This variant is not present in population databases (gnomAD no frequency). This variant has not been reported in the literature in individuals affected with KLF10-related conditions. An algorithm developed to predict the effect of missense changes on protein structure and function (PolyPhen-2) suggests that this variant is likely to be tolerated. In summary, the available evidence is currently insufficient to determine the role of this variant in disease. Therefore, it has been classified as a Variant of Uncertain Significance.

NM_005655.4(KLF10):c.695C>T (p.Ser232Phe)

Gene: KLF10 (KLF transcription factor 10; minus strand). Cytogenetic location: 8q22.3.
Variant type: single nucleotide variant.
Coding change: c.695C>T on transcript NM_005655.4 (MANE Select); coding-DNA position 695, C replaced by T.
Protein change: p.Ser232Phe; replaces serine 232 with phenylalanine.
Molecular consequence: missense variant.
Genome position (GRCh38, 1-based): chr8:102,651,637, G>A on the plus strand (C>T on the coding strand, the complement: KLF10 is on the minus strand). VCF-style: chr8-102651637-G-A. GRCh37 (hg19) VCF-style: chr8-103663865-G-A.
Other names: c.662C>T, p.Ser221Phe (NM_001032282.4); short protein forms S232F, S221F.
Identifiers: ClinVar variation 4747593 (VCV004747593.1).